The following is an entry in ClinVar:

NM_006767.4(LZTR1):c.1837A>T (p.Met613Leu)

Gene: LZTR1 (leucine zipper like post translational regulator 1; plus strand). Cytogenetic location: 22q11.21.
Variant type: single nucleotide variant.
Coding change: c.1837A>T on transcript NM_006767.4 (MANE Select); coding-DNA position 1837, A replaced by T.
Protein change: p.Met613Leu; replaces methionine 613 with leucine.
Molecular consequence: missense variant.
Genome position (GRCh38, 1-based): chr22:20,994,921, A>T. VCF-style: chr22-20994921-A-T. GRCh37 (hg19) VCF-style: chr22-21349210-A-T.
Other names: short protein forms M613L.
Identifiers: ClinVar variation 3238143 (VCV003238143.1), dbSNP rs1434688462.

ClinVar aggregate classification (germline): Uncertain significance (1 of 4 stars; one submission).

Conditions:
Hereditary cancer-predisposing syndrome. Also called: Neoplastic Syndromes, Hereditary; Tumor predisposition; Hereditary neoplastic syndrome; Hereditary Cancer Syndrome. Identifiers: Orphanet 140162, MedGen C0027672, MeSH D009386, MONDO:0015356.
Cardiovascular phenotype. Identifiers: MedGen CN230736.

Submission:

Ambry Genetics
Classification: Uncertain significance for Cardiovascular phenotype; Hereditary cancer-predisposing syndrome. Last evaluated: 2023-04-19. Review status: criteria provided, single submitter. Criteria: Ambry Variant Classification Scheme 2023. Collection method: clinical testing. Allele origin: germline.
Comment: The p.M613L variant (also known as c.1837A>T), located in coding exon 16 of the LZTR1 gene, results from an A to T substitution at nucleotide position 1837. The methionine at codon 613 is replaced by leucine, an amino acid with highly similar properties. This amino acid position is conserved. In addition, the in silico prediction for this alteration is inconclusive. Since supporting evidence is limited at this time, the clinical significance of this alteration remains unclear.